The following is an entry in ClinVar:

NM_005477.3(HCN4):c.1744A>G (p.Ile582Val)

Gene: HCN4 (hyperpolarization activated cyclic nucleotide gated potassium channel 4; minus strand). Cytogenetic location: 15q24.1.
Variant type: single nucleotide variant.
Coding change: c.1744A>G on transcript NM_005477.3 (MANE Select); coding-DNA position 1744, A replaced by G.
Protein change: p.Ile582Val; replaces isoleucine 582 with valine.
Molecular consequence: missense variant.
Genome position (GRCh38, 1-based): chr15:73,325,189, T>C on the plus strand (A>G on the coding strand, the complement: HCN4 is on the minus strand). VCF-style: chr15-73325189-T-C. GRCh37 (hg19) VCF-style: chr15-73617530-T-C.
Other names: short protein forms I582V.
Identifiers: ClinVar variation 3524258 (VCV003524258.1).

ClinVar aggregate classification (germline): Uncertain significance (1 of 4 stars; one submission).

Conditions:
Cardiovascular phenotype. Identifiers: MedGen CN230736.

gnomAD v4.1: 1 of 1,614,070 alleles (0.000062%); highest among the groups gnomAD compares: Non-Finnish European, 0.000085%; no homozygotes.

Submission:

Ambry Genetics
Classification: Uncertain significance for Cardiovascular phenotype. Last evaluated: 2024-08-11. Review status: criteria provided, single submitter. Criteria: Ambry Variant Classification Scheme 2023. Collection method: clinical testing. Allele origin: germline.
Comment: The p.I582V variant (also known as c.1744A>G), located in coding exon 6 of the HCN4 gene, results from an A to G substitution at nucleotide position 1744. The isoleucine at codon 582 is replaced by valine, an amino acid with highly similar properties. This amino acid position is conserved. In addition, the in silico prediction for this alteration is inconclusive. Based on the available evidence, the clinical significance of this variant remains unclear.